The following is an entry in ClinVar:

ClinVar aggregate classification (germline): Benign. Review status: criteria provided, single submitter (1 of 4 stars). 2 submissions from 2 submitters: Benign (1). 1 of the submissions does not count toward it. Last evaluated 2025-07-08.

Conditions:
ARID1B-Related Disorder. Identifiers: MedGen CN381337.

Allele frequency attached by ClinVar (database versions not stated): gnomAD exomes 0.00001; ExAC 0.00003; TOPMed 0.00011; gnomAD 0.00016.
gnomAD v4.1: 33 of 1,255,884 alleles (0.0026%); highest among the groups gnomAD compares: African/African-American, 0.048%; no homozygotes.

Submissions (2):

Labcorp Genetics (formerly Invitae), Labcorp
Classification: Benign. Last evaluated: 2025-07-08. Review status: criteria provided, single submitter. Criteria: Invitae Variant Classification Sherloc (09022015). Collection method: clinical testing. Allele origin: germline.

PreventionGenetics, part of Exact Sciences
Classification: Likely benign for ARID1B-related condition. Last evaluated: 2024-06-21. Review status: no assertion criteria provided. Collection method: clinical testing. Allele origin: germline. Not counted in ClinVar's aggregate classification.
Comment: This variant is classified as likely benign based on ACMG/AMP sequence variant interpretation guidelines (Richards et al. 2015 PMID: 25741868, with internal and published modifications).

NM_001374828.1(ARID1B):c.1552G>A (p.Gly518Ser)

Gene: ARID1B (AT-rich interaction domain 1B; plus strand). Cytogenetic location: 6q25.3.
Variant type: single nucleotide variant.
Coding change: c.1552G>A on transcript NM_001374828.1 (MANE Select); coding-DNA position 1552, G replaced by A.
Protein change: p.Gly518Ser; replaces glycine 518 with serine.
Molecular consequence: missense variant.
Genome position (GRCh38, 1-based): chr6:156,779,232, G>A. VCF-style: chr6-156779232-G-A. GRCh37 (hg19) VCF-style: chr6-157100366-G-A.
Other names: c.1303G>A, p.Gly435Ser (NM_001346813.1, NM_020732.3); c.1552G>A, p.Gly518Ser (NM_001371656.1, NM_001374820.1, NM_017519.3); c.1129G>A, p.Gly377Ser (NM_175863.2); short protein forms G518S, G377S, G435S.
Identifiers: ClinVar variation 2906651 (VCV002906651.4), dbSNP rs759909326, ClinGen allele CA4066754.